The following is an entry in ClinVar:

ClinVar aggregate classification (germline): Uncertain significance. Review status: criteria provided, multiple submitters, no conflicts (2 of 4 stars). 2 submissions from 2 submitters: Uncertain significance (2). Last evaluated 2023-10-10.

Conditions:
Cardiovascular phenotype. Identifiers: MedGen CN230736.

Submissions (2):

Ambry Genetics
Classification: Uncertain significance for Cardiovascular phenotype. Last evaluated: 2023-10-10. Review status: criteria provided, single submitter. Criteria: Ambry Variant Classification Scheme 2023. Collection method: clinical testing. Allele origin: germline.
Comment: The c.1002_1004delAAG variant (also known as p.R336del) is located in coding exon 8 of the NEXN gene. This variant results from an in-frame AAG deletion at nucleotide positions 1002 to 1004. This results in the in-frame deletion of an arginine at codon 336. This amino acid position is highly conserved in available vertebrate species. In addition, the in silico prediction for this alteration is inconclusive (Choi Y et al. PLoS ONE. 2012; 7(10):e46688). Since supporting evidence is limited at this time, the clinical significance of this alteration remains unclear.

GeneDx
Classification: Uncertain significance. Last evaluated: 2014-05-27. Review status: criteria provided, single submitter. Criteria: GeneDx Variant Classification (06012015). Collection method: clinical testing. Allele origin: germline. Affected: yes.
Comment: The c.1002_1004delAAG variant has not been published as a mutation, nor has it been reported as a benign polymorphism to our knowledge. The c.1002_1004delAAG variant was not observed in approximately 5,900 individuals of European and African American ancestry in the NHLBI Exome Sequencing Project, indicating it is not a common benign variant in these populations. The c.1002_1004delAAG variant results in the deletion of a well-conserved arginine residue at position 336 and does not cause a shift in reading frame. Another non-frameshift mutation in the NEXN gene has been reported in association with DCM; however, no disease-causing mutations have been reported in nearby residues, suggesting this region of the protein may be tolerant of change. Therefore, based on the currently available information, it is unclear whether this variant is a pathogenic mutation or a rare benign variant.

NM_144573.4(NEXN):c.1002_1004del (p.Arg336del)

Gene: NEXN (nexilin F-actin binding protein; plus strand). Cytogenetic location: 1p31.1.
Variant type: Deletion.
Coding change: c.1002_1004del on transcript NM_144573.4 (MANE Select); coding-DNA positions 1002 to 1004, 3 bases deleted (AAG; older notation c.1002_1004delAAG).
Protein change: p.Arg336del; deletes arginine 336.
Molecular consequence: inframe deletion.
Genome position (GRCh38, 1-based): chr1:77,929,453-77,929,455, AAG deleted; deleting any 3 consecutive bases within chr1:77,929,451-77,929,455 gives the same sequence; the c. name uses the placement nearest the transcript's 3' end. VCF-style (leftmost placement, unchanged base first): chr1-77929450-CAGA-C. GRCh37 (hg19) VCF-style: chr1-78395135-CAGA-C.
Other names: c.810_812delAAG (NM_001172309.1); c.810_812del, p.Arg272del (NM_001172309.2); c.1002_1004delAAG (NM_144573.3); short protein forms R336del, R272del.
Identifiers: ClinVar variation 201939 (VCV000201939.4), dbSNP rs794729090, ClinGen allele CA335453.
Genomic context (GRCh38, chr1:77,929,450, plus strand): 5'-TTTTGAAGAAATGGAAAGGCAAAGAAGAGAAGATGAAAAAAGGAAAGCAGAAGAAGAAGC[CAGA>C]AGGAGAATAGAGGAAGAAAAGAAGGCGTTTGCTGAAGCAAGGAGAAATATGGTAAGACAG-3'